The following is an entry in ClinVar:

ClinVar aggregate classification (germline): Uncertain significance. Review status: criteria provided, multiple submitters, no conflicts (2 of 4 stars). 2 submissions from 2 submitters: Uncertain significance (2). Last evaluated 2025-05-20.

Conditions:
Inborn genetic diseases. Identifiers: MedGen C0950123, MeSH D030342.

Submissions (2):

Ambry Genetics
Classification: Uncertain significance for Inborn genetic diseases. Last evaluated: 2025-05-20. Review status: criteria provided, single submitter. Criteria: Ambry Variant Classification Scheme 2023. Collection method: clinical testing. Allele origin: germline.

GeneDx
Classification: Uncertain significance. Last evaluated: 2024-10-31. Review status: criteria provided, single submitter. Criteria: GeneDx Variant Classification Process June 2021. Collection method: clinical testing. Allele origin: germline. Affected: yes.
Comment: Not observed at significant frequency in large population cohorts (gnomAD); In silico analysis supports that this missense variant has a deleterious effect on protein structure/function; Has not been previously published as pathogenic or benign to our knowledge

NM_007126.5(VCP):c.830A>G (p.Lys277Arg)

Gene: VCP (valosin containing protein; minus strand). Cytogenetic location: 9p13.3.
Variant type: single nucleotide variant.
Coding change: c.830A>G on transcript NM_007126.5 (MANE Select); coding-DNA position 830, A replaced by G.
Protein change: p.Lys277Arg; replaces lysine 277 with arginine.
Molecular consequence: missense variant.
Genome position (GRCh38, 1-based): chr9:35,062,332, T>C on the plus strand (A>G on the coding strand, the complement: VCP is on the minus strand). VCF-style: chr9-35062332-T-C. GRCh37 (hg19) VCF-style: chr9-35062329-T-C.
Other names: c.695A>G, p.Lys232Arg (NM_001354927.2, NM_001354928.2); short protein forms K232R, K277R.
Identifiers: ClinVar variation 3897082 (VCV003897082.2).
Genomic context (GRCh38, chr9:35,062,332, plus strand): 5'-GCATTCTTCTCAGCCTCCTCAAAGGCTTTACGAAGGTTGCTCTCAGACTCACCAGCCAAT[T>C]TGCTCATGATCTCAGGACCTGAAAGGATACAGAATGGAGACAATAACAAAATGATAGTCT-3'
Protein context (NP_009057.1, residues 267-287): FLINGPEIMS[Lys277Arg]LAGESESNLR